The following is an entry in ClinVar:

ClinVar aggregate classification (germline): Benign. Review status: criteria provided, single submitter (1 of 4 stars). 2 submissions from 2 submitters: Benign (1). 1 of the submissions does not count toward it. Last evaluated 2019-12-31.

Conditions:
IGBP1-related disorder. Also called: IGBP1-related condition.

Allele frequency attached by ClinVar (database versions not stated): gnomAD exomes 0.00075 and 0.00170; gnomAD 0.00095 and 0.00097; TOPMed 0.00095; ESP Exome Variant Server 0.00161; ExAC 0.00164.
gnomAD v4.1: 1,016 of 1,203,166 alleles (0.084%); highest among the groups gnomAD compares: Admixed American, 0.055%; 11 homozygotes.

Submissions (2):

Labcorp Genetics (formerly Invitae), Labcorp
Classification: Benign. Last evaluated: 2019-12-31. Review status: criteria provided, single submitter. Criteria: Invitae Variant Classification Sherloc (09022015). Collection method: clinical testing. Allele origin: germline.

PreventionGenetics, part of Exact Sciences
Classification: Likely benign for IGBP1-related condition. Last evaluated: 2019-03-07. Review status: no assertion criteria provided. Collection method: clinical testing. Allele origin: germline. Not counted in ClinVar's aggregate classification.
Comment: This variant is classified as likely benign based on ACMG/AMP sequence variant interpretation guidelines (Richards et al. 2015 PMID: 25741868, with internal and published modifications).

NM_001551.3(IGBP1):c.597G>A (p.Arg199=)

Gene: IGBP1 (immunoglobulin binding protein 1; plus strand). Cytogenetic location: Xq13.1.
Variant type: single nucleotide variant.
Coding change: c.597G>A on transcript NM_001551.3 (MANE Select); coding-DNA position 597, G replaced by A.
Protein change: p.Arg199=; no amino-acid change (arginine 199 retained).
Molecular consequence: synonymous variant. On other transcripts: intron variant (1).
Genome position (GRCh38, 1-based): chrX:70,146,747, G>A. VCF-style: chrX-70146747-G-A. GRCh37 (hg19) VCF-style: chrX-69366597-G-A.
Other names: c.597G>A, p.Arg199= (NM_001370192.1, NM_001370193.1); c.483-3463G>A (NM_001370194.1).
Identifiers: ClinVar variation 730942 (VCV000730942.6), dbSNP rs11551789, ClinGen allele CA10439492.